The following is an entry in ClinVar:

ClinVar aggregate classification (germline): Uncertain significance (1 of 4 stars; one submission).

Submission:

Labcorp Genetics (formerly Invitae), Labcorp
Classification: Uncertain significance. Last evaluated: 2023-11-19. Review status: criteria provided, single submitter. Criteria: Invitae Variant Classification Sherloc (09022015). Collection method: clinical testing. Allele origin: germline.
Comment: This sequence change replaces tryptophan, which is neutral and slightly polar, with glycine, which is neutral and non-polar, at codon 626 of the ACAN protein (p.Trp626Gly). This variant is not present in population databases (gnomAD no frequency). This variant has not been reported in the literature in individuals affected with ACAN-related conditions. Advanced modeling of protein sequence and biophysical properties (such as structural, functional, and spatial information, amino acid conservation, physicochemical variation, residue mobility, and thermodynamic stability) performed at Invitae indicates that this missense variant is not expected to disrupt ACAN protein function with a negative predictive value of 80%. In summary, the available evidence is currently insufficient to determine the role of this variant in disease. Therefore, it has been classified as a Variant of Uncertain Significance.

NM_001369268.1(ACAN):c.1876T>G (p.Trp626Gly)

Gene: ACAN (aggrecan; plus strand). Cytogenetic location: 15q26.1.
Variant type: single nucleotide variant.
Coding change: c.1876T>G on transcript NM_001369268.1 (MANE Select); coding-DNA position 1876, T replaced by G.
Protein change: p.Trp626Gly; replaces tryptophan 626 with glycine.
Molecular consequence: missense variant.
Genome position (GRCh38, 1-based): chr15:88,849,581, T>G. VCF-style: chr15-88849581-T-G. GRCh37 (hg19) VCF-style: chr15-89392812-T-G.
Other names: c.1876T>G, p.Trp626Gly (NM_001135.4, NM_001411096.1, NM_001411097.1 and 1 more transcripts); short protein forms W626G.
Identifiers: ClinVar variation 2695280 (VCV002695280.3), dbSNP rs2505285144, ClinGen allele CA393711966.